The following is an entry in ClinVar:

NM_001085487.3(MYSM1):c.596C>T (p.Ser199Leu)

Gene: MYSM1 (Myb like, SWIRM and MPN domains 1; minus strand). Cytogenetic location: 1p32.1.
Variant type: single nucleotide variant.
Coding change: c.596C>T on transcript NM_001085487.3 (MANE Select); coding-DNA position 596, C replaced by T.
Protein change: p.Ser199Leu; replaces serine 199 with leucine.
Molecular consequence: missense variant.
Genome position (GRCh38, 1-based): chr1:58,682,448, G>A on the plus strand (C>T on the coding strand, the complement: MYSM1 is on the minus strand). VCF-style: chr1-58682448-G-A. GRCh37 (hg19) VCF-style: chr1-59148120-G-A.
Other names: short protein forms S199L.
Identifiers: ClinVar variation 2007003 (VCV002007003.3), dbSNP rs1644760200, ClinGen allele CA340529277.

ClinVar aggregate classification (germline): Uncertain significance (1 of 4 stars; one submission).

Allele frequency attached by ClinVar (database versions not stated): gnomAD exomes below 0.00001.
gnomAD v4.1: 1 of 1,614,142 alleles (0.000062%); highest among the groups gnomAD compares: African/African-American, 0.0013%; no homozygotes.

Submission:

Labcorp Genetics (formerly Invitae), Labcorp
Classification: Uncertain significance. Last evaluated: 2022-07-22. Review status: criteria provided, single submitter. Criteria: Invitae Variant Classification Sherloc (09022015). Collection method: clinical testing. Allele origin: germline.
Comment: In summary, the available evidence is currently insufficient to determine the role of this variant in disease. Therefore, it has been classified as a Variant of Uncertain Significance. Algorithms developed to predict the effect of missense changes on protein structure and function output the following: SIFT: "Tolerated"; PolyPhen-2: "Benign"; Align-GVGD: "Class C0". The leucine amino acid residue is found in multiple mammalian species, which suggests that this missense change does not adversely affect protein function. This variant has not been reported in the literature in individuals affected with MYSM1-related conditions. This variant is not present in population databases (gnomAD no frequency). This sequence change replaces serine, which is neutral and polar, with leucine, which is neutral and non-polar, at codon 199 of the MYSM1 protein (p.Ser199Leu).